The following is an entry in ClinVar:

ClinVar aggregate classification (germline): Likely benign (1 of 4 stars; one submission).

Conditions:
TJP2-related disorder. Also called: TJP2-related condition.

gnomAD v4.1: 2 of 1,595,382 alleles (0.00013%); highest among the groups gnomAD compares: East Asian, 0.0045%; no homozygotes.

Submission:

PreventionGenetics, part of Exact Sciences
Classification: Likely benign for TJP2-related condition. Last evaluated: 2025-10-26. Review status: criteria provided, single submitter. Criteria: ACMG Guidelines, 2015. Collection method: clinical testing. Allele origin: germline.
Comment: This variant is classified as likely benign based on ACMG/AMP sequence variant interpretation guidelines (Richards et al. 2015 PMID: 25741868, with internal and published modifications).

NM_004817.4(TJP2):c.903G>A (p.Gly301=)

Gene: TJP2 (tight junction protein 2; plus strand). Cytogenetic location: 9q21.11.
Variant type: single nucleotide variant.
Coding change: c.903G>A on transcript NM_004817.4 (MANE Select); coding-DNA position 903, G replaced by A.
Protein change: p.Gly301=; no amino-acid change (glycine 301 retained).
Molecular consequence: synonymous variant.
Genome position (GRCh38, 1-based): chr9:69,221,447, G>A. VCF-style: chr9-69221447-G-A. GRCh37 (hg19) VCF-style: chr9-71836363-G-A.
Other names: c.834G>A, p.Gly278= (NM_001170414.2, NM_001369870.1, NM_001369871.1); c.915G>A, p.Gly305= (NM_001170415.1, NM_001369874.1, NM_001369875.1); c.996G>A, p.Gly332= (NM_001170416.2); c.903G>A, p.Gly301= (NM_001369872.1, NM_001369873.1, NM_201629.3).
Identifiers: ClinVar variation 4991460 (VCV004991460.1).